The following is an entry in ClinVar:

ClinVar aggregate classification (germline): Uncertain significance (1 of 4 stars; one submission).

Conditions:
Dilated cardiomyopathy 1O (CMD1O). Also called: CARDIOMYOPATHY, DILATED, WITH VENTRICULAR TACHYCARDIA. Identifiers: Orphanet 154, MedGen C1837839, MONDO:0012062, OMIM 608569.

Submission:

Labcorp Genetics (formerly Invitae), Labcorp
Classification: Uncertain significance for Dilated cardiomyopathy 1O. Last evaluated: 2023-06-17. Review status: criteria provided, single submitter. Criteria: Invitae Variant Classification Sherloc (09022015). Collection method: clinical testing. Allele origin: unknown.
Comment: In summary, the available evidence is currently insufficient to determine the role of this variant in disease. Therefore, it has been classified as a Variant of Uncertain Significance. This variant has not been reported in the literature in individuals affected with ABCC9-related conditions. This variant is a gross deletion of the genomic region encompassing exon(s) 10 of the ABCC9 gene. This deletion is out-of-frame, and is expected to create a premature translational stop signal and result in an absent or disrupted protein product. However, the current clinical and genetic evidence is not sufficient to establish whether loss-of-function variants in ABCC9 cause disease.

NC_000012.11:g.(?_22059040)_(22059242_?)del

Gene: ABCC9 (ATP binding cassette subfamily C member 9; minus strand). Cytogenetic location: 12p12.1.
Variant type: Deletion.
Identifiers: ClinVar variation 3244302 (VCV003244302.1).